The following is an entry in ClinVar:

NM_002691.4(POLD1):c.2914C>G (p.Pro972Ala)

Gene: POLD1 (DNA polymerase delta 1, catalytic subunit; plus strand). Cytogenetic location: 19q13.33.
Variant type: single nucleotide variant.
Coding change: c.2914C>G on transcript NM_002691.4 (MANE Select); coding-DNA position 2914, C replaced by G.
Protein change: p.Pro972Ala; replaces proline 972 with alanine.
Molecular consequence: missense variant. On other transcripts: non-coding transcript variant (1).
Genome position (GRCh38, 1-based): chr19:50,416,489, C>G. VCF-style: chr19-50416489-C-G. GRCh37 (hg19) VCF-style: chr19-50919746-C-G.
Other names: c.2914C>G, p.Pro972Ala (NM_001256849.1); c.2992C>G, p.Pro998Ala (NM_001308632.1); short protein forms P972A, P998A.
Identifiers: ClinVar variation 653914 (VCV000653914.9), dbSNP rs1601246603, ClinGen allele CA406986574.

ClinVar aggregate classification (germline): Uncertain significance. Review status: criteria provided, multiple submitters, no conflicts (2 of 4 stars). 2 submissions from 2 submitters: Uncertain significance (2). Last evaluated 2023-06-09.

Conditions:
POLD1-related polyposis and colorectal cancer syndrome (CRCS10). Also called: Colorectal cancer, susceptibility to, 10; Colorectal cancer 10; COLORECTAL CANCER, SUSCEPTIBILITY TO, ON CHROMOSOME 19q. Identifiers: Orphanet 220460, MedGen C2675481, MONDO:0012953, OMIM 612591.

Submissions (2):

GeneDx
Classification: Uncertain significance. Last evaluated: 2023-06-09. Review status: criteria provided, single submitter. Criteria: GeneDx Variant Classification Process June 2021. Collection method: clinical testing. Allele origin: germline. Affected: yes.
Comment: Not observed at significant frequency in large population cohorts (gnomAD); In silico analysis supports that this missense variant has a deleterious effect on protein structure/function; Has not been previously published as pathogenic or benign to our knowledge

Labcorp Genetics (formerly Invitae), Labcorp
Classification: Uncertain significance for POLD1-related polyposis and colorectal cancer syndrome. Last evaluated: 2018-12-17. Review status: criteria provided, single submitter. Criteria: Invitae Variant Classification Sherloc (09022015). Collection method: clinical testing. Allele origin: germline.
Comment: This sequence change replaces proline with alanine at codon 972 of the POLD1 protein (p.Pro972Ala). The proline residue is highly conserved and there is a small physicochemical difference between proline and alanine. This variant is not present in population databases (ExAC no frequency). This variant has not been reported in the literature in individuals with POLD1-related conditions. Algorithms developed to predict the effect of missense changes on protein structure and function are either unavailable or do not agree on the potential impact of this missense change (SIFT: "Deleterious"; PolyPhen-2: "Probably Damaging"; Align-GVGD: "Class C0"). In summary, the available evidence is currently insufficient to determine the role of this variant in disease. Therefore, it has been classified as a Variant of Uncertain Significance.